The following is an entry in ClinVar:

NM_001346231.2(RELCH):c.2760+496T>G

Gene: RELCH (RAB11 binding and LisH domain, coiled-coil and HEAT repeat containing; plus strand). Cytogenetic location: 18q21.33.
Variant type: single nucleotide variant.
Coding change: c.2760+496T>G on transcript NM_001346231.2 (MANE Select); 496 bases into the intron after coding-DNA position 2760, T replaced by G.
Molecular consequence: intron variant. On other transcripts: missense variant (1), non-coding transcript variant (1).
Genome position (GRCh38, 1-based): chr18:62,269,444, T>G. VCF-style: chr18-62269444-T-G. GRCh37 (hg19) VCF-style: chr18-59936677-T-G.
Other names: c.2794T>G, p.Ser932Ala (NM_001346229.2); c.1023+496T>G (NM_001346235.2); c.2784+496T>G (NM_001346230.2); c.2760+496T>G (NM_001346234.2, NM_020854.4); c.2748+496T>G (NM_001346233.2); short protein forms S932A.
Identifiers: ClinVar variation 2648775 (VCV002648775.24), dbSNP rs567532043, ClinGen allele CA301725941.

ClinVar aggregate classification (germline): Likely benign (1 of 4 stars; one submission).

Allele frequency attached by ClinVar (database versions not stated): gnomAD exomes 0.00013; 1000 Genomes Project 0.00100; 1000 Genomes Project 30x 0.00109; gnomAD 0.00154; TOPMed 0.00157.
gnomAD v4.1: 263 of 421,924 alleles (0.062%); highest among the groups gnomAD compares: African/African-American, 0.52%; 1 homozygote.

Submission:

CeGaT Center for Human Genetics Tuebingen
Classification: Likely benign. Last evaluated: 2022-09-01. Review status: criteria provided, single submitter. Criteria: CeGaT Center For Human Genetics Tuebingen Variant Classification Criteria Version 2. Collection method: clinical testing. Allele origin: germline. Affected: yes. Observed: 1 variant allele.
Comment: RELCH: PP2, BP4, BS2